The following is an entry in ClinVar:

ClinVar aggregate classification (germline): Uncertain significance. Review status: criteria provided, multiple submitters, no conflicts (2 of 4 stars). 2 submissions from 2 submitters: Uncertain significance (2). Last evaluated 2025-09-18.

Conditions:
Pancreatic adenocarcinoma. Identifiers: MedGen C0281361, MONDO:0006047, HP:0006725.

Allele frequency attached by ClinVar (database versions not stated): gnomAD exomes 0.00003 and 0.00001; ExAC 0.00019.

Submissions (2):

Ambry Genetics
Classification: Uncertain significance. Last evaluated: 2025-09-18. Review status: criteria provided, single submitter. Criteria: Ambry Variant Classification Scheme 2023. Collection method: clinical testing. Allele origin: germline.
Comment: The c.339_350dup12 variant (also known as p.P118_S119insPPPL), located in coding exon 1 of the PALLD gene, results from an in-frame duplication of 12 nucleotides at nucleotide positions 339 to 350. This results in the duplication of 4 extra residues (PPPL) between codons 118 and 119. This amino acid region is generally well conserved in available vertebrate species. The evidence for this gene-disease relationship is limited; therefore, the clinical significance of this alteration is unclear.

Labcorp Genetics (formerly Invitae), Labcorp
Classification: Uncertain significance for Pancreatic adenocarcinoma. Last evaluated: 2021-08-26. Review status: criteria provided, single submitter. Criteria: Invitae Variant Classification Sherloc (09022015). Collection method: clinical testing. Allele origin: germline.
Comment: In summary, the available evidence is currently insufficient to determine the role of this variant in disease. Therefore, it has been classified as a Variant of Uncertain Significance. Experimental studies and prediction algorithms are not available for this variant, and the functional significance of the duplicated amino acids is currently unknown. This variant has not been reported in the literature in individuals with PALLD-related disease. The frequency data for this variant in the population databases is considered unreliable, as metrics indicate poor data quality at this position in the ExAC database. This variant, c.339_350dup, results in the insertion of 4 amino acids to the PALLD protein (p.Pro115_Pro118dup), but otherwise preserves the integrity of the reading frame.

NM_001166108.2(PALLD):c.1965-12692_1965-12681dup

Gene: PALLD (palladin, cytoskeletal associated protein; plus strand). Cytogenetic location: 4q32.3.
Variant type: Duplication.
Coding change: c.1965-12692_1965-12681dup on transcript NM_001166108.2 (MANE Select); 12692 bases into the intron before coding-DNA position 1965 through 12681 bases into the intron before coding-DNA position 1965, 12 bases duplicated (ACCACCGCCGCT).
Molecular consequence: intron variant. On other transcripts: inframe insertion (1).
Genome position (GRCh38, 1-based): chr4:168,878,230-168,878,241, ACCACCGCCGCT duplicated. VCF-style (leftmost placement, unchanged base first): chr4-168878229-C-CACCACCGCCGCT. GRCh37 (hg19) VCF-style: chr4-169799380-C-CACCACCGCCGCT.
Other names: c.339_350dupACCACCGCCGCT (NM_001166110.1); c.339_350dup, p.Pro115_Pro118dup (NM_001166110.2); c.1965-12692_1965-12681dup (NM_016081.4); c.819-12692_819-12681dup (NM_001166109.2); c.-157-12692_-157-12681dup (NM_001367570.1, NM_001367568.1, NM_001367567.1 and 1 more transcripts).
Identifiers: ClinVar variation 542940 (VCV000542940.9), dbSNP rs778313832, ClinGen allele CA3135779.